The following is an entry in ClinVar:

ClinVar aggregate classification (germline): Uncertain significance (1 of 4 stars; one submission).

Allele frequency attached by ClinVar (database versions not stated): ExAC 0.00002; gnomAD 0.00002; gnomAD exomes 0.00002.
gnomAD v4.1: 37 of 1,614,028 alleles (0.0023%); highest among the groups gnomAD compares: South Asian, 0.036%; no homozygotes.

Submission:

Labcorp Genetics (formerly Invitae), Labcorp
Classification: Uncertain significance. Last evaluated: 2022-06-08. Review status: criteria provided, single submitter. Criteria: Invitae Variant Classification Sherloc (09022015). Collection method: clinical testing. Allele origin: germline.
Comment: This sequence change replaces tyrosine, which is neutral and polar, with histidine, which is basic and polar, at codon 245 of the DENND5A protein (p.Tyr245His). This variant is present in population databases (rs760147613, gnomAD 0.02%). In summary, the available evidence is currently insufficient to determine the role of this variant in disease. Therefore, it has been classified as a Variant of Uncertain Significance. Algorithms developed to predict the effect of missense changes on protein structure and function are either unavailable or do not agree on the potential impact of this missense change (SIFT: "Deleterious"; PolyPhen-2: "Benign"; Align-GVGD: "Class C0"). This variant has not been reported in the literature in individuals affected with DENND5A-related conditions.

NM_015213.4(DENND5A):c.733T>C (p.Tyr245His)

Gene: DENND5A (DENN domain containing 5A; minus strand). Cytogenetic location: 11p15.4.
Variant type: single nucleotide variant.
Coding change: c.733T>C on transcript NM_015213.4 (MANE Select); coding-DNA position 733, T replaced by C.
Protein change: p.Tyr245His; replaces tyrosine 245 with histidine.
Molecular consequence: missense variant. On other transcripts: non-coding transcript variant (1).
Genome position (GRCh38, 1-based): chr11:9,203,876, A>G on the plus strand (T>C on the coding strand, the complement: DENND5A is on the minus strand). VCF-style: chr11-9203876-A-G. GRCh37 (hg19) VCF-style: chr11-9225423-A-G.
Other names: c.733T>C, p.Tyr245His (NM_001243254.2, NM_001348748.1); c.661T>C, p.Tyr221His (NM_001348749.2); c.445T>C, p.Tyr149His (NM_001348750.2); short protein forms Y221H, Y245H, Y149H.
Identifiers: ClinVar variation 1939436 (VCV001939436.5), dbSNP rs760147613, ClinGen allele CA5877767.